The following is an entry in ClinVar:

NM_020719.3(PRR12):c.5913C>A (p.Tyr1971Ter)

Gene: PRR12 (proline rich 12; plus strand). Cytogenetic location: 19q13.33.
Variant type: single nucleotide variant.
Coding change: c.5913C>A on transcript NM_020719.3 (MANE Select); coding-DNA position 5913, C replaced by A.
Protein change: p.Tyr1971Ter; replaces tyrosine 1971 with a stop codon.
Molecular consequence: nonsense.
Genome position (GRCh38, 1-based): chr19:49,625,149, C>A. VCF-style: chr19-49625149-C-A. GRCh37 (hg19) VCF-style: chr19-50128406-C-A.
Other names: short protein forms Y1971*.
Identifiers: ClinVar variation 3766006 (VCV003766006.1).

ClinVar aggregate classification (germline): Uncertain significance (1 of 4 stars; one submission).

Submission:

GeneDx
Classification: Uncertain significance. Last evaluated: 2024-08-30. Review status: criteria provided, single submitter. Criteria: GeneDx Variant Classification Process June 2021. Collection method: clinical testing. Allele origin: germline. Affected: yes.
Comment: Not observed at significant frequency in large population cohorts (gnomAD); Nonsense variant predicted to result in protein truncation as the last 66 amino acids are lost, although loss-of-function variants have not been reported downstream of this position in the protein; Has not been previously published as pathogenic or benign to our knowledge